The following is an entry in ClinVar:

NM_001159699.2(FHL1):c.253G>A (p.Ala85Thr)

Gene: FHL1 (four and a half LIM domains 1; plus strand). Cytogenetic location: Xq26.3.
Variant type: single nucleotide variant.
Coding change: c.253G>A on transcript NM_001159699.2 (MANE Select); coding-DNA position 253, G replaced by A.
Protein change: p.Ala85Thr; replaces alanine 85 with threonine.
Molecular consequence: missense variant. On other transcripts: non-coding transcript variant (1).
Genome position (GRCh38, 1-based): chrX:136,207,064, G>A. VCF-style: chrX-136207064-G-A. GRCh37 (hg19) VCF-style: chrX-135289223-G-A.
Other names: c.205G>A, p.Ala69Thr (NM_001449.5, NM_001159700.2, NM_001159702.3 and 9 more transcripts); c.205G>A (NM_001159702.2); c.292G>A, p.Ala98Thr (NM_001159701.2); c.253G>A, p.Ala85Thr (NM_001330659.2); short protein forms A69T, A85T, A98T.
Identifiers: ClinVar variation 537354 (VCV000537354.14), dbSNP rs139625615, ClinGen allele CA10524973.

ClinVar aggregate classification (germline): Uncertain significance. Review status: criteria provided, multiple submitters, no conflicts (2 of 4 stars). 4 submissions from 4 submitters: Uncertain significance (4). Last evaluated 2026-07-21.

Conditions:
FHL1-related disorder. Also called: FHL1-related condition; FHL1-related disorders.
Cardiovascular phenotype. Identifiers: MedGen CN230736.
X-linked myopathy with postural muscle atrophy. Also called: FHL1-Related Emery-Dreifuss Muscular Dystrophy, X-Linked. Identifiers: Orphanet 178461, MedGen C2678055, MONDO:0010401, OMIM 300696.

Allele frequency attached by ClinVar (database versions not stated): ExAC 0.00001; gnomAD exomes 0.00001 and 0.00010; TOPMed 0.00002; gnomAD 0.00003 and 0.00005; 1000 Genomes Project 30x 0.00042; 1000 Genomes Project 0.00053.
gnomAD v4.1: 108 of 1,210,180 alleles (0.0089%); highest among the groups gnomAD compares: East Asian, 0.31%; no homozygotes.

Submissions (4):

PreventionGenetics, part of Exact Sciences
Classification: Uncertain significance for FHL1-related condition. Last evaluated: 2026-07-21. Review status: criteria provided, single submitter. Criteria: ACMG Guidelines, 2015. Collection method: clinical testing. Allele origin: germline.
Comment: The FHL1 c.205G>A variant is predicted to result in the amino acid substitution p.Ala69Thr. To our knowledge, this variant has not been reported in the literature. This variant is reported in 0.0072% of alleles in individuals of East Asian descent in gnomAD. At this time, the clinical significance of this variant is uncertain due to the absence of conclusive functional and genetic evidence.

Ambry Genetics
Classification: Uncertain significance for Cardiovascular phenotype. Last evaluated: 2026-03-31. Review status: criteria provided, single submitter. Criteria: Ambry Variant Classification Scheme 2023. Collection method: clinical testing. Allele origin: germline.

Labcorp Genetics (formerly Invitae), Labcorp
Classification: Uncertain significance for X-linked myopathy with postural muscle atrophy. Last evaluated: 2024-12-17. Review status: criteria provided, single submitter. Criteria: Invitae Variant Classification Sherloc (09022015). Collection method: clinical testing. Allele origin: germline.
Comment: This sequence change replaces alanine, which is neutral and non-polar, with threonine, which is neutral and polar, at codon 69 of the FHL1 protein (p.Ala69Thr). This variant is not present in population databases (gnomAD no frequency). This variant has not been reported in the literature in individuals affected with FHL1-related conditions. ClinVar contains an entry for this variant (Variation ID: 537354). An algorithm developed to predict the effect of missense changes on protein structure and function (PolyPhen-2) suggests that this variant¬†is likely to be tolerated. In summary, the available evidence is currently insufficient to determine the role of this variant in disease. Therefore, it has been classified as a Variant of Uncertain Significance.

Revvity Omics, Revvity
Classification: Uncertain significance. Last evaluated: 2019-06-06. Review status: criteria provided, single submitter. Criteria: ACMG Guidelines, 2015. Collection method: clinical testing. Allele origin: germline.